The following is an entry in ClinVar:

NM_013436.5(NCKAP1):c.710G>A (p.Ser237Asn)

Gene: NCKAP1 (NCK associated protein 1; minus strand). Cytogenetic location: 2q32.1.
Variant type: single nucleotide variant.
Coding change: c.710G>A on transcript NM_013436.5 (MANE Select); coding-DNA position 710, G replaced by A.
Protein change: p.Ser237Asn; replaces serine 237 with asparagine.
Molecular consequence: missense variant.
Genome position (GRCh38, 1-based): chr2:182,995,732, C>T on the plus strand (G>A on the coding strand, the complement: NCKAP1 is on the minus strand). VCF-style: chr2-182995732-C-T. GRCh37 (hg19) VCF-style: chr2-183860460-C-T.
Other names: c.728G>A, p.Ser243Asn (NM_205842.3); short protein forms S237N, S243N.
Identifiers: ClinVar variation 1335854 (VCV001335854.2), dbSNP rs1484844979, ClinGen allele CA349754262.

ClinVar aggregate classification (germline): Uncertain significance (1 of 4 stars; one submission).

Allele frequency attached by ClinVar (database versions not stated): gnomAD 0.00001; TOPMed below 0.00001.
gnomAD v4.1: 2 of 1,613,822 alleles (0.00012%); highest among the groups gnomAD compares: African/African-American, 0.0027%; no homozygotes.

Submission:

GeneDx
Classification: Uncertain significance. Last evaluated: 2021-07-23. Review status: criteria provided, single submitter. Criteria: GeneDx Variant Classification Process June 2021. Collection method: clinical testing. Allele origin: germline. Affected: yes.
Comment: In silico analysis supports that this missense variant does not alter protein structure/function; Has not been previously published as pathogenic or benign to our knowledge